The following is an entry in ClinVar:

ClinVar aggregate classification (germline): Uncertain significance (1 of 4 stars; one submission).

Conditions:
PTPRQ-related disorder. Also called: PTPRQ-related condition.

gnomAD v4.1: 23 of 1,463,452 alleles (0.0016%); highest among the groups gnomAD compares: Non-Finnish European, 0.0021%; no homozygotes.

Submission:

PreventionGenetics, part of Exact Sciences
Classification: Uncertain significance for PTPRQ-related condition. Last evaluated: 2026-04-19. Review status: criteria provided, single submitter. Criteria: ACMG Guidelines, 2015. Collection method: clinical testing. Allele origin: germline.
Comment: The PTPRQ c.14T>C variant is predicted to result in the amino acid substitution p.Ile5Thr. To our knowledge, this variant has not been reported in the literature. This variant is reported in 0.0017% of alleles in individuals of European (Non-Finnish) descent in gnomAD. At this time, the clinical significance of this variant is uncertain due to the absence of conclusive functional and genetic evidence.

NM_001145026.2(PTPRQ):c.14T>C (p.Ile5Thr)

Gene: PTPRQ (protein tyrosine phosphatase receptor type Q; plus strand). Cytogenetic location: 12q21.31.
Variant type: single nucleotide variant.
Coding change: c.14T>C on transcript NM_001145026.2 (MANE Select); coding-DNA position 14, T replaced by C.
Protein change: p.Ile5Thr; replaces isoleucine 5 with threonine.
Molecular consequence: missense variant.
Genome position (GRCh38, 1-based): chr12:80,444,359, T>C. VCF-style: chr12-80444359-T-C. GRCh37 (hg19) VCF-style: chr12-80838139-T-C.
Other names: short protein forms I5T.
Identifiers: ClinVar variation 4978000 (VCV004978000.1).